The following is an entry in ClinVar:

NM_001035.3(RYR2):c.5279G>A (p.Arg1760Gln)

Gene: RYR2 (ryanodine receptor 2; plus strand). Cytogenetic location: 1q43.
Variant type: single nucleotide variant.
Coding change: c.5279G>A on transcript NM_001035.3 (MANE Select); coding-DNA position 5279, G replaced by A.
Protein change: p.Arg1760Gln; replaces arginine 1760 with glutamine.
Molecular consequence: missense variant.
Genome position (GRCh38, 1-based): chr1:237,614,407, G>A. VCF-style: chr1-237614407-G-A. GRCh37 (hg19) VCF-style: chr1-237777707-G-A.
Other names: c.5279G>A, p.Arg1760Gln (LRG_402t1); short protein forms R1760Q.
Identifiers: ClinVar variation 496092 (VCV000496092.9), dbSNP rs765106198, ClinGen allele CA086864.

ClinVar aggregate classification (germline): Conflicting classifications of pathogenicity. Review status: criteria provided, conflicting classifications (1 of 4 stars). 4 submissions from 4 submitters: Uncertain significance (3); Likely benign (1). Last evaluated 2025-10-20.

Conditions:
Catecholaminergic polymorphic ventricular tachycardia (CVPT). Also called: Catecholamine-induced polymorphic ventricular tachycardia. Identifiers: Orphanet 3286, MedGen C5574922, MONDO:0017990.
Cardiomyopathy (CMYO). Also called: Cardiomyopathies. Identifiers: Orphanet 167848, MedGen C0878544, MONDO:0004994, HP:0001638. Inheritance: Various modes of inheritance.
Catecholaminergic polymorphic ventricular tachycardia 1. Also called: RYR2-Related Catecholaminergic Polymorphic Ventricular Tachycardia; VENTRICULAR TACHYCARDIA, CATECHOLAMINERGIC POLYMORPHIC, 1, WITH OR WITHOUT ATRIAL DYSFUNCTION AND/OR DILATED CARDIOMYOPATHY; VENTRICULAR TACHYCARDIA, STRESS-INDUCED POLYMORPHIC 1. Identifiers: Orphanet 3286, MedGen C1631597, MONDO:0011484, OMIM 604772.

Allele frequency attached by ClinVar (database versions not stated): ExAC 0.00001; gnomAD exomes 0.00001; TOPMed 0.00001.
gnomAD v4.1: 10 of 1,613,850 alleles (0.00062%); highest among the groups gnomAD compares: East Asian, 0.016%; no homozygotes.

Submissions (4):

Color Diagnostics, LLC DBA Color Health
Classification: Uncertain significance for Cardiomyopathy. Last evaluated: 2025-10-20. Review status: criteria provided, single submitter. Criteria: ACMG Guidelines, 2015. Collection method: clinical testing. Allele origin: germline.
Comment: This missense variant replaces arginine with glutamine at codon 1760 of the RYR2 protein. Computational prediction suggests that this variant may not impact protein structure and function. To our knowledge, functional studies have not been reported for this variant. This variant has not been reported in individuals affected with RYR2-related disorders in the literature. This variant has been identified in 2/248988 chromosomes in the general population by the Genome Aggregation Database (gnomAD). The available evidence is insufficient to determine the role of this variant in disease conclusively. Therefore, this variant is classified as a Variant of Uncertain Significance.

Labcorp Genetics (formerly Invitae), Labcorp
Classification: Likely benign for Catecholaminergic polymorphic ventricular tachycardia 1. Last evaluated: 2024-11-12. Review status: criteria provided, single submitter. Criteria: Invitae Variant Classification Sherloc (09022015). Collection method: clinical testing. Allele origin: germline.

All of Us Research Program, National Institutes of Health
Classification: Uncertain significance for Catecholaminergic polymorphic ventricular tachycardia. Last evaluated: 2023-10-27. Review status: criteria provided, single submitter. Criteria: ACMG Guidelines, 2015. Collection method: clinical testing. Allele origin: germline. Inheritance: Autosomal dominant inheritance. Observed: 4 variant alleles, 4 heterozygotes.
Comment: This missense variant replaces arginine with glutamine at codon 1760 of the RYR2 protein. Computational prediction suggests that this variant may not impact protein structure and function (internally defined REVEL score threshold <= 0.5, PMID: 27666373). To our knowledge, functional studies have not been reported for this variant. This variant has not been reported in individuals affected with RYR2-related disorders in the literature. This variant has been identified in 2/248988 chromosomes in the general population by the Genome Aggregation Database (gnomAD). The available evidence is insufficient to determine the role of this variant in disease conclusively. Therefore, this variant is classified as a Variant of Uncertain Significance.

This study involves interpretation of variants in research participants for the purpose of population health screening. Participant phenotype was not available at the time of variant classification. Additional details can be found in publication PMID: 35346344, PMCID: PMC8962531

Women's Health and Genetics/Laboratory Corporation of America, LabCorp
Classification: Uncertain significance. Last evaluated: 2016-10-03. Review status: criteria provided, single submitter. Criteria: LabCorp Variant Classification Summary - May 2015. Collection method: clinical testing. Allele origin: germline.
Comment: Variant summary: The c.5279G>A (p.Arg1760Gln) in RYR2 gene is a missense change that involves a conserved nucleotide and 3/5 in silico tools predict benign outcome. The variant is located outside of any known functional domain. The variant is present in the large control population dataset of ExAC at a low frequency 0.000008 (1/120724 chrs tested), which does not exceed the maximal expected frequency of a pathogenic allele (0.00005) in this gene. The variant has not been reported in affected individuals in the literature or by any reputable database/clinical laboratory. Taking together, the variant was classified as VUS until more data become available.